The following is an entry in ClinVar:

ClinVar aggregate classification (germline): Pathogenic (0 of 4 stars; one submission).

Conditions:
Pyruvate dehydrogenase E1-alpha deficiency (PDHAD). Also called: ATAXIA, INTERMITTENT, WITH PYRUVATE DEHYDROGENASE DEFICIENCY; ATAXIA WITH LACTIC ACIDOSIS I; ATAXIA, INTERMITTENT, WITH ABNORMAL PYRUVATE METABOLISM; Ataxia, intermittent, with pyruvate dehydrogenase, or decarboxylase, deficiency. Identifiers: Orphanet 79243, MedGen C1839413, MONDO:0010717, OMIM 312170.

Submission:

PDHA1 Study Group, University Children’s Hospital, Paracelsus Medical University
Classification: Pathogenic for Pyruvate dehydrogenase E1-alpha deficiency. Last evaluated: 2024-10-15. Review status: no assertion criteria provided. Collection method: research. Allele origin: germline. Affected: yes. Observed: 1 variant allele.
Comment: The NM_000284.3:c.1054_1057del (p.Phe352ProfsTer71) change is a frameshift variant in PDHA1 gene. This variant is predicted to escape nonsense-mediated decay (NMD). These include . The variant has been reported in 1 published case (PMIDs: 35094435). Last literature search: July 12, 2024. This variant is absent or extremely rare in population-based cohorts in the Genome Aggregation Database (gnomAD). Individuals harboring this variant presented with clinical features compatible with PDHA1-related PDHc deficiency. In summary, this variant meets criteria to be classified as pathogenic (P) for PDHA1-related PDHc deficiency based on the ACMG/AMP criteria applied: PVS1, PM2 (last assessment October 15, 2024).

Literature cited by the submitters: PubMed 35094435; DOI 10.1093/brain/awaf430.

NM_000284.4(PDHA1):c.1054_1057del (p.Phe352fs)

Gene: PDHA1 (pyruvate dehydrogenase E1 subunit alpha 1; plus strand). Cytogenetic location: Xp22.12.
Variant type: Deletion.
Coding change: c.1054_1057del on transcript NM_000284.4 (MANE Select); coding-DNA positions 1054 to 1057, 4 bases deleted (TTTG; older notation c.1054_1057delTTTG).
Protein change: p.Phe352fs; shifts the reading frame from phenylalanine 352.
Molecular consequence: frameshift variant.
Genome position (GRCh38, 1-based): chrX:19,359,534-19,359,537, TTTG deleted; deleting any 4 consecutive bases within chrX:19,359,533-19,359,537 gives the same sequence; the c. name uses the placement nearest the transcript's 3' end. VCF-style (leftmost placement, unchanged base first): chrX-19359532-AGTTT-A. GRCh37 (hg19) VCF-style: chrX-19377650-AGTTT-A.
Other names: c.1168_1171del, p.Phe390fs (NM_001173454.2); c.1075_1078del, p.Phe359fs (NM_001173455.2); c.961_964del, p.Phe321fs (NM_001173456.2); short protein forms F321fs, F352fs, F359fs, F390fs.
Identifiers: ClinVar variation 4070433 (VCV004070433.1).